The following is an entry in ClinVar:

ClinVar aggregate classification (germline): Uncertain significance (1 of 4 stars; one submission).

gnomAD v4.1: 2 of 1,614,098 alleles (0.00012%); highest among the groups gnomAD compares: Non-Finnish European, 0.00017%; no homozygotes.

Submission:

Labcorp Genetics (formerly Invitae), Labcorp
Classification: Uncertain significance. Last evaluated: 2024-06-30. Review status: criteria provided, single submitter. Criteria: Invitae Variant Classification Sherloc (09022015). Collection method: clinical testing. Allele origin: germline.
Comment: This sequence change replaces tyrosine, which is neutral and polar, with histidine, which is basic and polar, at codon 1402 of the PLCE1 protein (p.Tyr1402His). This variant is not present in population databases (gnomAD no frequency). This missense change has been observed in individual(s) with clinical features of PLCE1-related conditions (Invitae). In at least one individual the data is consistent with being in trans (on the opposite chromosome) from a pathogenic variant. Advanced modeling of protein sequence and biophysical properties (such as structural, functional, and spatial information, amino acid conservation, physicochemical variation, residue mobility, and thermodynamic stability) has been performed at Invitae for this missense variant, however the output from this modeling did not meet the statistical confidence thresholds required to predict the impact of this variant on PLCE1 protein function. In summary, the available evidence is currently insufficient to determine the role of this variant in disease. Therefore, it has been classified as a Variant of Uncertain Significance.

NM_016341.4(PLCE1):c.4204T>C (p.Tyr1402His)

Gene: PLCE1 (phospholipase C epsilon 1; plus strand). Cytogenetic location: 10q23.33.
Variant type: single nucleotide variant.
Coding change: c.4204T>C on transcript NM_016341.4 (MANE Select); coding-DNA position 4204, T replaced by C.
Protein change: p.Tyr1402His; replaces tyrosine 1402 with histidine.
Molecular consequence: missense variant.
Genome position (GRCh38, 1-based): chr10:94,265,881, T>C. VCF-style: chr10-94265881-T-C. GRCh37 (hg19) VCF-style: chr10-96025638-T-C.
Other names: c.3280T>C, p.Tyr1094His (NM_001165979.2); c.4156T>C, p.Tyr1386His (NM_001288989.2); short protein forms Y1402H, Y1386H, Y1094H.
Identifiers: ClinVar variation 3656292 (VCV003656292.2).